The following is an entry in ClinVar:

ClinVar aggregate classification (germline): Uncertain significance. Review status: criteria provided, multiple submitters, no conflicts (2 of 4 stars). 4 submissions from 4 submitters: Uncertain significance (4). Last evaluated 2025-02-24.

Conditions:
Cryopyrin associated periodic syndrome (CAPS). Identifiers: Orphanet 208650, MedGen C2316212, MONDO:0016168.
Inborn genetic diseases. Identifiers: MedGen C0950123, MeSH D030342.

Allele frequency attached by ClinVar (database versions not stated): gnomAD 0.00002; TOPMed 0.00004; ESP Exome Variant Server 0.00008.
gnomAD v4.1: 29 of 1,614,048 alleles (0.0018%); highest among the groups gnomAD compares: African/African-American, 0.0027%; no homozygotes.

Submissions (4):

Ambry Genetics
Classification: Uncertain significance for Inborn genetic diseases. Last evaluated: 2025-02-24. Review status: criteria provided, single submitter. Criteria: Ambry Variant Classification Scheme 2023. Collection method: clinical testing. Allele origin: germline.

Labcorp Genetics (formerly Invitae), Labcorp
Classification: Uncertain significance for Cryopyrin associated periodic syndrome. Last evaluated: 2024-08-23. Review status: criteria provided, single submitter. Criteria: Invitae Variant Classification Sherloc (09022015). Collection method: clinical testing. Allele origin: germline.
Comment: This sequence change replaces isoleucine, which is neutral and non-polar, with leucine, which is neutral and non-polar, at codon 370 of the NLRP3 protein (p.Ile370Leu). This variant is present in population databases (rs200735245, gnomAD 0.007%). This variant has not been reported in the literature in individuals affected with NLRP3-related conditions. ClinVar contains an entry for this variant (Variation ID: 418598). Invitae Evidence Modeling of protein sequence and biophysical properties (such as structural, functional, and spatial information, amino acid conservation, physicochemical variation, residue mobility, and thermodynamic stability) has been performed for this missense variant. However, the output from this modeling did not meet the statistical confidence thresholds required to predict the impact of this variant on NLRP3 protein function. In summary, the available evidence is currently insufficient to determine the role of this variant in disease. Therefore, it has been classified as a Variant of Uncertain Significance.

Mayo Clinic Laboratories, Mayo Clinic
Classification: Uncertain significance. Last evaluated: 2021-08-10. Review status: criteria provided, single submitter. Criteria: ACMG Guidelines, 2015. Collection method: clinical testing. Allele origin: germline.

GeneDx
Classification: Uncertain significance. Last evaluated: 2017-03-20. Review status: criteria provided, single submitter. Criteria: GeneDx Variant Classification (06012015). Collection method: clinical testing. Allele origin: germline. Affected: yes.
Comment: The I370L variant in the NLRP3 gene has not been reported previously as a pathogenic variant, nor as a benign variant, to our knowledge. The I370L variant is not observed in large population cohorts (Lek et al., 2016; 1000 Genomes Consortium et al., 2015; Exome Variant Server). The I370L variant is a conservative amino acid substitution, which is not likely to impact secondary protein structure as these residues share similar properties. This substitution occurs at a position where amino acids with similar properties to Asparagine are tolerated across species. In silico analysis is inconsistent in its predictions as to whether or not the variant is damaging to the protein structure/function. We interpret I370L as a variant of uncertain significance.

NM_001243133.2(NLRP3):c.1102A>C (p.Ile368Leu)

Gene: NLRP3 (NLR family pyrin domain containing 3; plus strand). Cytogenetic location: 1q44.
Variant type: single nucleotide variant.
Coding change: c.1102A>C on transcript NM_001243133.2 (MANE Select); coding-DNA position 1102, A replaced by C.
Protein change: p.Ile368Leu; replaces isoleucine 368 with leucine.
Molecular consequence: missense variant.
Genome position (GRCh38, 1-based): chr1:247,424,551, A>C. VCF-style: chr1-247424551-A-C. GRCh37 (hg19) VCF-style: chr1-247587853-A-C.
Other names: p.Ile370Leu; c.1102A>C, p.Ile368Leu (NM_001079821.3, NM_001127461.3, NM_001127462.3 and 1 more transcripts); c.1108A>C, p.Ile370Leu (NM_004895.5); short protein forms I370L, I368L.
Identifiers: ClinVar variation 418598 (VCV000418598.9), dbSNP rs200735245, ClinGen allele CA16617129.